The following is an entry in ClinVar:

ClinVar aggregate classification (germline): Uncertain significance (1 of 4 stars; one submission).

Conditions:
Cardiomyopathy (CMYO). Also called: Cardiomyopathies. Identifiers: Orphanet 167848, MedGen C0878544, MONDO:0004994, HP:0001638. Inheritance: Various modes of inheritance.

gnomAD v4.1: 1 of 1,614,078 alleles (0.000062%); highest among the groups gnomAD compares: Non-Finnish European, 0.000085%; no homozygotes.

Submission:

Color Diagnostics, LLC DBA Color Health
Classification: Uncertain significance for Cardiomyopathy. Last evaluated: 2020-01-07. Review status: criteria provided, single submitter. Criteria: ACMG Guidelines, 2015. Collection method: clinical testing. Allele origin: germline.
Comment: This missense variant replaces alanine with proline at codon 1584 of the DSP protein. Computational prediction tool suggests that this variant may not impact protein structure and function (internally defined REVEL score threshold ≤0.5, PMID: 27666373). Splice site prediction tools suggest that this variant may not impact RNA splicing. To our knowledge, functional studies have not been performed for this variant. This variant has not been reported in individuals affected with cardiovascular disorders in the literature. This variant has been identified in 1/250326 chromosomes in the general population by the Genome Aggregation Database (gnomAD). The available evidence is insufficient to determine the role of this variant in disease conclusively. Therefore, this variant is classified as a Variant of Uncertain Significance.

NM_004415.4(DSP):c.4750G>C (p.Ala1584Pro)

Gene: DSP (desmoplakin; plus strand). Cytogenetic location: 6p24.3.
Variant type: single nucleotide variant.
Coding change: c.4750G>C on transcript NM_004415.4 (MANE Select); coding-DNA position 4750, G replaced by C.
Protein change: p.Ala1584Pro; replaces alanine 1584 with proline.
Molecular consequence: missense variant. On other transcripts: intron variant (2).
Genome position (GRCh38, 1-based): chr6:7,580,940, G>C. VCF-style: chr6-7580940-G-C. GRCh37 (hg19) VCF-style: chr6-7581173-G-C.
Other names: c.4050+700G>C (NM_001319034.2); c.3582+1168G>C (NM_001008844.3); short protein forms A1584P.
Identifiers: ClinVar variation 918446 (VCV000918446.3), dbSNP rs191778417, ClinGen allele CA042728.